The following is an entry in ClinVar:

NM_020937.4(FANCM):c.4933C>T (p.Arg1645Cys)

Gene: FANCM (FA complementation group M; plus strand). Cytogenetic location: 14q21.2.
Variant type: single nucleotide variant.
Coding change: c.4933C>T on transcript NM_020937.4 (MANE Select); coding-DNA position 4933, C replaced by T.
Protein change: p.Arg1645Cys; replaces arginine 1645 with cysteine.
Molecular consequence: missense variant.
Genome position (GRCh38, 1-based): chr14:45,188,955, C>T. VCF-style: chr14-45188955-C-T. GRCh37 (hg19) VCF-style: chr14-45658158-C-T.
Other names: c.4933C>T (NM_020937.3, LRG_502t1); c.4855C>T, p.Arg1619Cys (NM_001308133.2); short protein forms R1645C, R1619C.
Identifiers: ClinVar variation 313223 (VCV000313223.16), dbSNP rs186197572, ClinGen allele CA7169876.

ClinVar aggregate classification (germline): Uncertain significance. Review status: criteria provided, multiple submitters, no conflicts (2 of 4 stars). 6 submissions from 6 submitters: Uncertain significance (6). Last evaluated 2025-12-13.

Conditions:
Fanconi anemia (FA). Also called: Fanconi's anemia. Identifiers: Orphanet 84, MedGen C0015625, MeSH D005199, MONDO:0019391.
Spermatogenic failure 28. Identifiers: MedGen C4748117, MONDO:0054732, OMIM 618086.
Premature ovarian failure 15. Identifiers: MedGen C4748170, MONDO:0054862, OMIM 618096.

Allele frequency attached by ClinVar (database versions not stated): ExAC 0.00006; gnomAD exomes 0.00006 and 0.00007; gnomAD 0.00012 and 0.00013; TOPMed 0.00017; 1000 Genomes Project 0.00060; 1000 Genomes Project 30x 0.00062.

Submissions (6):

Labcorp Genetics (formerly Invitae), Labcorp
Classification: Uncertain significance for Fanconi anemia. Last evaluated: 2025-12-13. Review status: criteria provided, single submitter. Criteria: Invitae Variant Classification Sherloc (09022015). Collection method: clinical testing. Allele origin: germline.
Comment: This sequence change replaces arginine, which is basic and polar, with cysteine, which is neutral and slightly polar, at codon 1645 of the FANCM protein (p.Arg1645Cys). This variant is present in population databases (rs186197572, gnomAD 0.02%). This variant has not been reported in the literature in individuals affected with FANCM-related conditions. ClinVar contains an entry for this variant (Variation ID: 313223). An algorithm developed to predict the effect of missense changes on protein structure and function (PolyPhen-2) suggests that this variant is likely to be disruptive. In summary, the available evidence is currently insufficient to determine the role of this variant in disease. Therefore, it has been classified as a Variant of Uncertain Significance.

Dasa
Classification: Uncertain significance. Last evaluated: 2025-08-12. Review status: criteria provided, single submitter. Criteria: DASA Assertion Criteria. Collection method: clinical testing. Allele origin: germline.
Comment: NM_020937.4(FANCM):c.4933C>T (p.Arg1645Cys) is a missense variant that results in the substitution of arginine with cysteine. This variant is rare in population databases. Computational prediction algorithms are consistent with a benign effect. The currently available literature and clinical evidence are not sufficient to establish a definitive association between this variant and the reported condition. Therefore, this variant is classified as a variant of uncertain significance.

Quest Diagnostics Nichols Institute San Juan Capistrano
Classification: Uncertain significance. Last evaluated: 2025-04-16. Review status: criteria provided, single submitter. Criteria: Quest Diagnostics criteria. Collection method: clinical testing. Allele origin: unknown.
Comment: The FANCM c.4933C>T (p.Arg1645Cys) variant has been reported in the published literature in in individuals with breast cancer (PMID: 36707629 (2023), 33471991 (2021), see also LOVD), ovarian cancer (PMID: 28881617 (2017)), head and neck squamous cell carcinoma (HNSC) (PMID: 26689913 (2015)) as well as in reportedly unaffected individuals (PMID: 36707629 (2023), 33471991 (2021), see also LOVD). The frequency of this variant in the general population (Genome Aggregation Database) is uninformative in the assessment of its pathogenicity. Analysis of this variant using bioinformatics tools for the prediction of the effect of amino acid changes on protein structure and function yielded conflicting predictions that this variant is benign or damaging. Based on the available information, we are unable to determine the clinical significance of this variant.

Fulgent Genetics
Classification: Uncertain significance for Spermatogenic failure 28; Premature ovarian failure 15. Last evaluated: 2024-06-04. Review status: criteria provided, single submitter. Criteria: ACMG Guidelines, 2015. Collection method: clinical testing. Allele origin: germline.

Blueprint Genetics
Classification: Uncertain significance. Last evaluated: 2024-05-30. Review status: criteria provided, single submitter. Criteria: ACMG Guidelines, 2015. Collection method: clinical testing. Allele origin: germline.

GeneDx
Classification: Uncertain significance. Last evaluated: 2024-04-25. Review status: criteria provided, single submitter. Criteria: GeneDx Variant Classification Process June 2021. Collection method: clinical testing. Allele origin: germline. Affected: yes.
Comment: Observed in individuals with glioma, head and neck squamous cell carcinoma, lung cancer, or colon cancer (PMID: 26689913, 27460824, 28881617); In silico analysis supports that this missense variant has a deleterious effect on protein structure/function; This variant is associated with the following publications: (PMID: 28881617, 27713419, 26689913, 27460824)

Literature cited by the submitters: PubMed 33471991 (cited by Quest Diagnostics Nichols Institute San Juan Capistrano); PubMed 26689913 (cited by Quest Diagnostics Nichols Institute San Juan Capistrano); PubMed 28881617 (cited by Quest Diagnostics Nichols Institute San Juan Capistrano); PubMed 36707629 (cited by Quest Diagnostics Nichols Institute San Juan Capistrano).